The following is an entry in ClinVar:

ClinVar aggregate classification (germline): Likely benign (1 of 4 stars; one submission).

Submission:

CeGaT Center for Human Genetics Tuebingen
Classification: Likely benign. Last evaluated: 2026-08-01. Review status: criteria provided, single submitter. Criteria: CeGaT Center For Human Genetics Tuebingen Variant Classification Criteria Version 2. Collection method: clinical testing. Allele origin: germline. Affected: yes. Observed: 1 variant allele.
Comment: TTN: PM2:Supporting, BP4, BP7

NM_001267550.2(TTN):c.11312-4729G>A

Gene: TTN (titin; minus strand). Cytogenetic location: 2q31.2.
Variant type: single nucleotide variant.
Coding change: c.11312-4729G>A on transcript NM_001267550.2 (MANE Select); 4729 bases into the intron before coding-DNA position 11312, G replaced by A.
Molecular consequence: intron variant. On other transcripts: synonymous variant (1).
Genome position (GRCh38, 1-based): chr2:178,746,650, C>T on the plus strand (G>A on the coding strand, the complement: TTN is on the minus strand). VCF-style: chr2-178746650-C-T. GRCh37 (hg19) VCF-style: chr2-179611377-C-T.
Other names: c.15750G>A, p.Gly5250= (NM_133379.5); c.10223-4729G>A (NM_003319.4); c.10799-4729G>A (NM_133437.4); c.10598-4729G>A (NM_133432.3); c.10360+6474G>A (NM_133378.4); c.10361-4729G>A (NM_001256850.1).
Identifiers: ClinVar variation 5040420 (VCV005040420.1).
Genomic context (GRCh38, chr2:178,746,650, plus strand): 5'-TACATTTGCAAAGCTCTTTGCTTCCCCTATGATGTTTACAGCATGACACATGTACTCTCC[C>T]CCTTCTCCTTTTTGAATGTTAGAAATTTCCAGTGAACACACATTACCCACTCTTTCCATT-3'